The following is an entry in ClinVar:

NM_001098426.2(SMARCD2):c.338A>C (p.Asp113Ala)

Gene: SMARCD2 (SWI/SNF related BAF chromatin remodeling complex subunit D2; minus strand). Cytogenetic location: 17q23.3.
Variant type: single nucleotide variant.
Coding change: c.338A>C on transcript NM_001098426.2 (MANE Select); coding-DNA position 338, A replaced by C.
Protein change: p.Asp113Ala; replaces aspartic acid 113 with alanine.
Molecular consequence: missense variant.
Genome position (GRCh38, 1-based): chr17:63,837,504, T>G on the plus strand (A>C on the coding strand, the complement: SMARCD2 is on the minus strand). VCF-style: chr17-63837504-T-G. GRCh37 (hg19) VCF-style: chr17-61914864-T-G.
Other names: c.338A>C (NM_001098426.1); c.113A>C, p.Asp38Ala (NM_001330439.1); c.194A>C, p.Asp65Ala (NM_001330440.2); short protein forms D113A, D65A, D38A.
Identifiers: ClinVar variation 2202828 (VCV002202828.3), dbSNP rs762396735, ClinGen allele CA292954745.

ClinVar aggregate classification (germline): Uncertain significance. Review status: criteria provided, multiple submitters, no conflicts (2 of 4 stars). 2 submissions from 2 submitters: Uncertain significance (2). Last evaluated 2025-06-25.

Conditions:
Inborn genetic diseases. Identifiers: MedGen C0950123, MeSH D030342.

Allele frequency attached by ClinVar (database versions not stated): TOPMed 0.00001; gnomAD 0.00002.
gnomAD v4.1: 56 of 1,601,454 alleles (0.0035%); highest among the groups gnomAD compares: Non-Finnish European, 0.0045%; no homozygotes.

Submissions (2):

Ambry Genetics
Classification: Uncertain significance for Inborn genetic diseases. Last evaluated: 2025-06-25. Review status: criteria provided, single submitter. Criteria: Ambry Variant Classification Scheme 2023. Collection method: clinical testing. Allele origin: germline.

Labcorp Genetics (formerly Invitae), Labcorp
Classification: Uncertain significance. Last evaluated: 2022-06-25. Review status: criteria provided, single submitter. Criteria: Invitae Variant Classification Sherloc (09022015). Collection method: clinical testing. Allele origin: germline.
Comment: This sequence change replaces aspartic acid, which is acidic and polar, with alanine, which is neutral and non-polar, at codon 113 of the SMARCD2 protein (p.Asp113Ala). This variant is present in population databases (rs762396735, gnomAD 0.002%). This variant has not been reported in the literature in individuals affected with SMARCD2-related conditions. Algorithms developed to predict the effect of missense changes on protein structure and function (SIFT, PolyPhen-2, Align-GVGD) all suggest that this variant is likely to be tolerated. In summary, the available evidence is currently insufficient to determine the role of this variant in disease. Therefore, it has been classified as a Variant of Uncertain Significance.